The following is an entry in ClinVar:

ClinVar aggregate classification (germline): Conflicting classifications of pathogenicity. Review status: criteria provided, conflicting classifications (1 of 4 stars). 6 submissions from 6 submitters: Uncertain significance (1); Benign (2); Likely benign (2). 1 of the submissions does not count toward it. Last evaluated 2026-06-02.

Conditions:
KIT-related disorder. Also called: KIT-related condition.
Hereditary cancer-predisposing syndrome. Also called: Neoplastic Syndromes, Hereditary; Tumor predisposition; Hereditary neoplastic syndrome; Hereditary Cancer Syndrome. Identifiers: Orphanet 140162, MedGen C0027672, MeSH D009386, MONDO:0015356.
Gastrointestinal stromal tumor. Also called: Gastrointestinal stromal tumor, somatic; Gastrointestinal stroma tumor. Identifiers: Orphanet 44890, MedGen C0238198, MeSH D046152, MONDO:0011719, OMIM 606764, HP:0100723.

Allele frequency attached by ClinVar (database versions not stated): TOPMed 0.00003; gnomAD 0.00004; gnomAD exomes 0.00004 and 0.00005; ExAC 0.00005.
gnomAD v4.1: 75 of 1,614,094 alleles (0.0046%); highest among the groups gnomAD compares: Non-Finnish European, 0.0064%; no homozygotes.

Submissions (6):

Myriad Genetics, Inc.
Classification: Benign for Gastrointestinal stromal tumor. Last evaluated: 2026-06-02. Review status: criteria provided, single submitter. Criteria: Myriad Autosomal Dominant, Autosomal Recessive and X-Linked Classification Criteria (2023). Collection method: clinical testing. Allele origin: unknown.
Comment: This variant is considered benign. This variant is a silent/synonymous amino acid change and it is not expected to impact splicing.

Labcorp Genetics (formerly Invitae), Labcorp
Classification: Likely benign for Gastrointestinal stromal tumor. Last evaluated: 2026-02-03. Review status: criteria provided, single submitter. Criteria: Invitae Variant Classification Sherloc (09022015). Collection method: clinical testing. Allele origin: germline.

Laboratory of Genetics, Children's Clinical University Hospital Latvia
Classification: Benign. Last evaluated: 2025-02-16. Review status: criteria provided, single submitter. Criteria: ACMG Guidelines, 2015. Collection method: clinical testing. Allele origin: germline. Affected: yes.

GeneDx
Classification: Uncertain significance. Last evaluated: 2024-12-06. Review status: criteria provided, single submitter. Criteria: GeneDx Variant Classification Process June 2021. Collection method: clinical testing. Allele origin: germline.
Comment: In silico analysis indicates that this variant does not alter splicing; Has not been previously published as pathogenic or benign to our knowledge

Ambry Genetics
Classification: Likely benign for Hereditary cancer-predisposing syndrome. Last evaluated: 2019-09-27. Review status: criteria provided, single submitter. Criteria: Ambry Variant Classification Scheme 2023. Collection method: clinical testing. Allele origin: germline.

PreventionGenetics, part of Exact Sciences
Classification: Likely benign for KIT-related condition. Last evaluated: 2022-11-18. Review status: no assertion criteria provided. Collection method: clinical testing. Allele origin: germline. Not counted in ClinVar's aggregate classification.
Comment: This variant is classified as likely benign based on ACMG/AMP sequence variant interpretation guidelines (Richards et al. 2015 PMID: 25741868, with internal and published modifications).

NM_000222.3(KIT):c.84T>C (p.Ser28=)

Gene: KIT (KIT proto-oncogene, receptor tyrosine kinase; plus strand). Cytogenetic location: 4q12.
Variant type: single nucleotide variant.
Coding change: c.84T>C on transcript NM_000222.3 (MANE Select); coding-DNA position 84, T replaced by C.
Protein change: p.Ser28=; no amino-acid change (serine 28 retained).
Molecular consequence: synonymous variant.
Genome position (GRCh38, 1-based): chr4:54,695,528, T>C. VCF-style: chr4-54695528-T-C. GRCh37 (hg19) VCF-style: chr4-55561694-T-C.
Other names: c.84T>C, p.Ser28= (NM_001093772.2, NM_001385284.1, NM_001385285.1 and 4 more transcripts).
Identifiers: ClinVar variation 458972 (VCV000458972.21), dbSNP rs758868843, ClinGen allele CA2923154.